The following is an entry in ClinVar:

NM_000051.4(ATM):c.7155G>T (p.Lys2385Asn)

Genes: ATM (ATM serine/threonine kinase; plus strand), C11orf65 (chromosome 11 open reading frame 65; minus strand). Cytogenetic location: 11q22.3.
Variant type: single nucleotide variant.
Coding change: c.7155G>T on transcript NM_000051.4 (MANE Select); coding-DNA position 7155, G replaced by T.
Protein change: p.Lys2385Asn; replaces lysine 2385 with asparagine.
Molecular consequence: missense variant. On other transcripts: intron variant (2).
Genome position (GRCh38, 1-based): chr11:108,329,086, G>T. VCF-style: chr11-108329086-G-T. GRCh37 (hg19) VCF-style: chr11-108199813-G-T.
Other names: c.7155G>T, p.Lys2385Asn (NM_001351834.2); c.641-20015C>A (NM_001330368.2); c.*38+6134C>A (NM_001351110.2); short protein forms K2385N.
Identifiers: ClinVar variation 2774711 (VCV002774711.1), dbSNP rs878853540, ClinGen allele CA382559525.

ClinVar aggregate classification (germline): Uncertain significance (1 of 4 stars; one submission).

Conditions:
Hereditary cancer-predisposing syndrome. Also called: Tumor predisposition; Neoplastic Syndromes, Hereditary; Hereditary Cancer Syndrome; Hereditary neoplastic syndrome. Identifiers: Orphanet 140162, MedGen C0027672, MeSH D009386, MONDO:0015356.

Submission:

Color Diagnostics, LLC DBA Color Health
Classification: Uncertain significance for Hereditary cancer-predisposing syndrome. Last evaluated: 2023-04-25. Review status: criteria provided, single submitter. Criteria: ACMG Guidelines, 2015. Collection method: clinical testing. Allele origin: germline.
Comment: This missense variant replaces lysine with asparagine at codon 2385 of the ATM protein. Computational prediction suggests that this variant may not impact protein structure and function (internally defined REVEL score threshold <= 0.5, PMID: 27666373). To our knowledge, functional studies have not been reported for this variant. This variant has not been reported in individuals affected with ATM-related disorders in the literature. This variant has not been identified in the general population by the Genome Aggregation Database (gnomAD). The available evidence is insufficient to determine the role of this variant in disease conclusively. Therefore, this variant is classified as a Variant of Uncertain Significance.